The following is an entry in ClinVar:

ClinVar aggregate classification (germline): Uncertain significance (1 of 4 stars; one submission).

Conditions:
Regional enteritis. Also called: Enteritis, Granulomatous. Identifiers: MedGen C0678202, MeSH D003424.
Blau syndrome (BLAUS). Also called: GRANULOMATOSIS, FAMILIAL JUVENILE SYSTEMIC; GRANULOMATOSIS, FAMILIAL, BLAU TYPE; GRANULOMATOUS INFLAMMATORY ARTHRITIS, DERMATITIS, AND UVEITIS, FAMILIAL; JABS SYNDROME; ARTHROCUTANEOUVEAL GRANULOMATOSIS. Identifiers: Orphanet 90340, MedGen C5201146, MONDO:0008523, OMIM 186580.

Allele frequency attached by ClinVar (database versions not stated): gnomAD 0.00001; gnomAD exomes 0.00001 and 0.00002; TOPMed 0.00001; ExAC 0.00002; 1000 Genomes Project 30x 0.00016; 1000 Genomes Project 0.00020.

Submission:

Labcorp Genetics (formerly Invitae), Labcorp
Classification: Uncertain significance for Regional enteritis; Blau syndrome. Last evaluated: 2025-07-21. Review status: criteria provided, single submitter. Criteria: Invitae Variant Classification Sherloc (09022015). Collection method: clinical testing. Allele origin: germline.
Comment: This sequence change replaces asparagine, which is neutral and polar, with serine, which is neutral and polar, at codon 872 of the NOD2 protein (p.Asn872Ser). This variant is present in population databases (rs201806207, gnomAD 0.006%). This variant has not been reported in the literature in individuals affected with NOD2-related conditions. ClinVar contains an entry for this variant (Variation ID: 1037896). Invitae Evidence Modeling of protein sequence and biophysical properties (such as structural, functional, and spatial information, amino acid conservation, physicochemical variation, residue mobility, and thermodynamic stability) indicates that this missense variant is not expected to disrupt NOD2 protein function with a negative predictive value of 95%. In summary, the available evidence is currently insufficient to determine the role of this variant in disease. Therefore, it has been classified as a Variant of Uncertain Significance.

NM_001370466.1(NOD2):c.2534A>G (p.Asn845Ser)

Gene: NOD2 (nucleotide binding oligomerization domain containing 2; plus strand). Cytogenetic location: 16q12.1.
Variant type: single nucleotide variant.
Coding change: c.2534A>G on transcript NM_001370466.1 (MANE Select); coding-DNA position 2534, A replaced by G.
Protein change: p.Asn845Ser; replaces asparagine 845 with serine.
Molecular consequence: missense variant. On other transcripts: non-coding transcript variant (1).
Genome position (GRCh38, 1-based): chr16:50,716,959, A>G. VCF-style: chr16-50716959-A-G. GRCh37 (hg19) VCF-style: chr16-50750870-A-G.
Other names: c.2534A>G, p.Asn845Ser (NM_001293557.2); c.2615A>G, p.Asn872Ser (NM_022162.3); short protein forms N845S, N872S.
Identifiers: ClinVar variation 1037896 (VCV001037896.9), dbSNP rs201806207, ClinGen allele CA8051858.
Genomic context (GRCh38, chr16:50,716,959, plus strand): 5'-ACAACAAATTGACTGACGGCTGTGCACACTCCATGGCTAAGCTCCTTGCATGCAGGCAGA[A>G]CTTCTTGGCATTGAGGTGAGCCCAGGTTTTCCTTATTCCCTGGAAACTATTTTTTGCCCC-3'
Protein context (NP_001357395.1, residues 835-855): SMAKLLACRQ[Asn845Ser]FLALRLGNNY